The following is an entry in ClinVar:

NM_001814.6(CTSC):c.90C>A (p.Cys30Ter)

Genes: CTSC (cathepsin C; minus strand), LOC130006572 (ATAC-STARR-seq lymphoblastoid active region 5382; plus strand). Cytogenetic location: 11q14.2.
Variant type: single nucleotide variant.
Coding change: c.90C>A on transcript NM_001814.6 (MANE Select); coding-DNA position 90, C replaced by A.
Protein change: p.Cys30Ter; replaces cysteine 30 with a stop codon.
Molecular consequence: nonsense.
Genome position (GRCh38, 1-based): chr11:88,337,583, G>T on the plus strand (C>A on the coding strand, the complement: CTSC is on the minus strand). VCF-style: chr11-88337583-G-T. GRCh37 (hg19) VCF-style: chr11-88070751-G-T.
Other names: c.90C>A, p.Cys30Ter (NM_001114173.3, NM_148170.5); short protein forms C30*.
Identifiers: ClinVar variation 2925493 (VCV002925493.3), dbSNP rs202160994, ClinGen allele CA382030733.
Genomic context (GRCh38, chr11:88,337,583, plus strand): 5'-GCGCTGGGAACCGCTGGAGCCCACCTGGAAGACCCAGGTGCCCAGCAGGTCAAGATAGGT[G>T]CAGTTGGCAGGTGTGTCGCAGCGCACGGCGCCGTCGCCGGAGAGAAGCAGCAGGAGGGCG-3'

ClinVar aggregate classification (germline): Pathogenic (1 of 4 stars; one submission).

Conditions:
Periodontitis, aggressive. Identifiers: MedGen C0031106, MONDO:0980757.
Papillon-Lefèvre syndrome (PALS). Also called: KERATOSIS PALMOPLANTARIS WITH PERIODONTOPATHIA; Papillon-Lefevre Disease. Identifiers: Orphanet 678, MedGen C0030360, MONDO:0009490, OMIM 245000.
Haim-Munk syndrome (HMS). Also called: COCHIN JEWISH DISORDER; KERATOSIS PALMOPLANTARIS WITH PERIODONTOPATHIA AND ONYCHOGRYPOSIS. Identifiers: Orphanet 2342, MedGen C1855627, MONDO:0009491, OMIM 245010.

Submission:

Labcorp Genetics (formerly Invitae), Labcorp
Classification: Pathogenic for Haim-Munk syndrome; Periodontitis, aggressive; Papillon-Lefèvre syndrome. Last evaluated: 2023-11-05. Review status: criteria provided, single submitter. Criteria: Invitae Variant Classification Sherloc (09022015). Collection method: clinical testing. Allele origin: germline.
Comment: This sequence change creates a premature translational stop signal (p.Cys30*) in the CTSC gene. It is expected to result in an absent or disrupted protein product. Loss-of-function variants in CTSC are known to be pathogenic (PMID: 10662808, 11106356, 11886537). This variant is not present in population databases (gnomAD no frequency). This premature translational stop signal has been observed in individual(s) with CTSC-related conditions (PMID: 15857086). For these reasons, this variant has been classified as Pathogenic.

Literature cited by the submitters: PubMed 10662808; PubMed 11106356; PubMed 11886537; PubMed 15857086.